The following is an entry in ClinVar:

NM_002471.4(MYH6):c.4346G>A (p.Arg1449Lys)

Gene: MYH6 (myosin heavy chain 6; minus strand). Cytogenetic location: 14q11.2.
Variant type: single nucleotide variant.
Coding change: c.4346G>A on transcript NM_002471.4 (MANE Select); coding-DNA position 4346, G replaced by A.
Protein change: p.Arg1449Lys; replaces arginine 1449 with lysine.
Molecular consequence: missense variant.
Genome position (GRCh38, 1-based): chr14:23,388,168, C>T on the plus strand (G>A on the coding strand, the complement: MYH6 is on the minus strand). VCF-style: chr14-23388168-C-T. GRCh37 (hg19) VCF-style: chr14-23857377-C-T.
Other names: short protein forms R1449K.
Identifiers: ClinVar variation 2587173 (VCV002587173.2), dbSNP rs758643910, ClinGen allele CA7114817.

ClinVar aggregate classification (germline): Uncertain significance (1 of 4 stars; one submission).

Conditions:
Cardiovascular phenotype. Identifiers: MedGen CN230736.

Allele frequency attached by ClinVar (database versions not stated): TOPMed below 0.00001; gnomAD exomes 0.00001; ExAC 0.00002.
gnomAD v4.1: 4 of 1,612,334 alleles (0.00025%); no homozygotes.

Submission:

Ambry Genetics
Classification: Uncertain significance for Cardiovascular phenotype. Last evaluated: 2023-07-17. Review status: criteria provided, single submitter. Criteria: Ambry Variant Classification Scheme 2023. Collection method: clinical testing. Allele origin: germline.
Comment: The p.R1449K variant (also known as c.4346G>A), located in coding exon 28 of the MYH6 gene, results from a G to A substitution at nucleotide position 4346. The arginine at codon 1449 is replaced by lysine, an amino acid with highly similar properties. This amino acid position is conserved. In addition, this alteration is predicted to be tolerated by in silico analysis. Since supporting evidence is limited at this time, the clinical significance of this alteration remains unclear.